The following is an entry in ClinVar:

NM_004991.4(MECOM):c.686A>T (p.Lys229Met)

Gene: MECOM (MDS1 and EVI1 complex locus; minus strand). Cytogenetic location: 3q26.2.
Variant type: single nucleotide variant.
Coding change: c.686A>T on transcript NM_004991.4 (MANE Select); coding-DNA position 686, A replaced by T.
Protein change: p.Lys229Met; replaces lysine 229 with methionine.
Molecular consequence: missense variant.
Genome position (GRCh38, 1-based): chr3:169,127,988, T>A on the plus strand (A>T on the coding strand, the complement: MECOM is on the minus strand). VCF-style: chr3-169127988-T-A. GRCh37 (hg19) VCF-style: chr3-168845776-T-A.
Other names: c.314A>T, p.Lys105Met (NM_001105077.4); c.122A>T, p.Lys41Met (NM_001105078.4, NM_001163999.2, NM_001164000.2 and 9 more transcripts); c.686A>T, p.Lys229Met (NM_001366466.2, NM_001366473.2); short protein forms K229M, K41M, K105M.
Identifiers: ClinVar variation 4053071 (VCV004053071.1).

ClinVar aggregate classification (germline): Uncertain significance (1 of 4 stars; one submission).

Conditions:
Inborn genetic diseases. Identifiers: MedGen C0950123, MeSH D030342.

gnomAD v4.1: 1 of 1,614,104 alleles (0.000062%); no homozygotes.

Submission:

Ambry Genetics
Classification: Uncertain significance for Inborn genetic diseases. Last evaluated: 2025-03-17. Review status: criteria provided, single submitter. Criteria: Ambry Variant Classification Scheme 2023. Collection method: clinical testing. Allele origin: germline.
Comment: The p.K229M variant (also known as c.686A>T), located in coding exon 5 of the MECOM gene, results from an A to T substitution at nucleotide position 686. The lysine at codon 229 is replaced by methionine, an amino acid with similar properties. This amino acid position is conserved. In addition, the in silico prediction for this alteration is inconclusive. Based on the available evidence, the clinical significance of this variant remains unclear.